The following is an entry in ClinVar:

NM_006030.4(CACNA2D2):c.1186A>G (p.Ile396Val)

Gene: CACNA2D2 (calcium voltage-gated channel auxiliary subunit alpha2delta 2; minus strand). Cytogenetic location: 3p21.31.
Variant type: single nucleotide variant.
Coding change: c.1186A>G on transcript NM_006030.4 (MANE Select); coding-DNA position 1186, A replaced by G.
Protein change: p.Ile396Val; replaces isoleucine 396 with valine.
Molecular consequence: missense variant.
Genome position (GRCh38, 1-based): chr3:50,379,166, T>C on the plus strand (A>G on the coding strand, the complement: CACNA2D2 is on the minus strand). VCF-style: chr3-50379166-T-C. GRCh37 (hg19) VCF-style: chr3-50416597-T-C.
Other names: c.1186A>G, p.Ile396Val (NM_001005505.3, NM_001174051.3); c.979A>G, p.Ile327Val (NM_001291101.1); short protein forms I396V, I327V.
Identifiers: ClinVar variation 1415068 (VCV001415068.7), dbSNP rs2106659404, ClinGen allele CA352934494.

ClinVar aggregate classification (germline): Uncertain significance (1 of 4 stars; one submission).

Conditions:
Early-infantile DEE. Also called: Ohtahara syndrome; Early infantile epileptic encephalopathy with suppression bursts; Early infantile epileptic encephalopathy. Identifiers: Orphanet 1934, MedGen C0393706, MONDO:0800491.

Submission:

Labcorp Genetics (formerly Invitae), Labcorp
Classification: Uncertain significance for Early-infantile DEE. Last evaluated: 2021-11-13. Review status: criteria provided, single submitter. Criteria: Invitae Variant Classification Sherloc (09022015). Collection method: clinical testing. Allele origin: germline.
Comment: In summary, the available evidence is currently insufficient to determine the role of this variant in disease. Therefore, it has been classified as a Variant of Uncertain Significance. Algorithms developed to predict the effect of missense changes on protein structure and function (SIFT, PolyPhen-2, Align-GVGD) all suggest that this variant is likely to be tolerated. This variant has not been reported in the literature in individuals affected with CACNA2D2-related conditions. This variant is not present in population databases (gnomAD no frequency). This sequence change replaces isoleucine, which is neutral and non-polar, with valine, which is neutral and non-polar, at codon 396 of the CACNA2D2 protein (p.Ile396Val).